The following is an entry in ClinVar:

NM_000168.6(GLI3):c.601A>G (p.Met201Val)

Gene: GLI3 (GLI family zinc finger 3; minus strand). Cytogenetic location: 7p14.1.
Variant type: single nucleotide variant.
Coding change: c.601A>G on transcript NM_000168.6 (MANE Select); coding-DNA position 601, A replaced by G.
Protein change: p.Met201Val; replaces methionine 201 with valine.
Molecular consequence: missense variant.
Genome position (GRCh38, 1-based): chr7:42,048,569, T>C on the plus strand (A>G on the coding strand, the complement: GLI3 is on the minus strand). VCF-style: chr7-42048569-T-C. GRCh37 (hg19) VCF-style: chr7-42088168-T-C.
Other names: short protein forms M201V.
Identifiers: ClinVar variation 3035638 (VCV003035638.2), dbSNP rs766434502, ClinGen allele CA4231136.

ClinVar aggregate classification (germline): Uncertain significance (0 of 4 stars; one submission).

Conditions:
GLI3-related disorder. Also called: GLI3-related condition; GLI3-related disorders. Identifiers: MedGen CN239292.

Allele frequency attached by ClinVar (database versions not stated): gnomAD exomes below 0.00001; TOPMed below 0.00001; ExAC 0.00001.
gnomAD v4.1: 3 of 1,612,402 alleles (0.00019%); highest among the groups gnomAD compares: Admixed American, 0.0017%; no homozygotes.

Submission:

PreventionGenetics, part of Exact Sciences
Classification: Uncertain significance for GLI3-related condition. Last evaluated: 2024-05-03. Review status: no assertion criteria provided. Collection method: clinical testing. Allele origin: germline.
Comment: The GLI3 c.601A>G variant is predicted to result in the amino acid substitution p.Met201Val. To our knowledge, this variant has not been reported in the literature. This variant is reported in 0.0033% of alleles in individuals of South Asian descent in gnomAD. At this time, the clinical significance of this variant is uncertain due to the absence of conclusive functional and genetic evidence.